The following is an entry in ClinVar:

NM_001005242.3(PKP2):c.427C>T (p.His143Tyr)

Gene: PKP2 (plakophilin 2; minus strand). Cytogenetic location: 12p11.21.
Variant type: single nucleotide variant.
Coding change: c.427C>T on transcript NM_001005242.3 (MANE Select); coding-DNA position 427, C replaced by T.
Protein change: p.His143Tyr; replaces histidine 143 with tyrosine.
Molecular consequence: missense variant.
Genome position (GRCh38, 1-based): chr12:32,878,453, G>A on the plus strand (C>T on the coding strand, the complement: PKP2 is on the minus strand). VCF-style: chr12-32878453-G-A. GRCh37 (hg19) VCF-style: chr12-33031387-G-A.
Other names: c.427C>T, p.His143Tyr (NM_001407155.1, NM_001407156.1, NM_001407157.1 and 2 more transcripts); c.100C>T, p.His34Tyr (NM_001407158.1, NM_001407159.1, NM_001407160.1 and 1 more transcripts); short protein forms H143Y, H34Y.
Identifiers: ClinVar variation 2735829 (VCV002735829.3), dbSNP rs2541342464, ClinGen allele CA384365321.

ClinVar aggregate classification (germline): Uncertain significance (1 of 4 stars; one submission).

Conditions:
Arrhythmogenic right ventricular dysplasia 9 (ARVD9). Also called: Arrhythmogenic Right Ventricular Dysplasia/Cardiomyopathy 9; ARRHYTHMOGENIC RIGHT VENTRICULAR DYSPLASIA, FAMILIAL, 9. Identifiers: MedGen C1836906, MONDO:0012180, OMIM 609040.

Submission:

Labcorp Genetics (formerly Invitae), Labcorp
Classification: Uncertain significance for Arrhythmogenic right ventricular dysplasia 9. Last evaluated: 2023-11-13. Review status: criteria provided, single submitter. Criteria: Invitae Variant Classification Sherloc (09022015). Collection method: clinical testing. Allele origin: germline.
Comment: This sequence change replaces histidine, which is basic and polar, with tyrosine, which is neutral and polar, at codon 143 of the PKP2 protein (p.His143Tyr). This variant is not present in population databases (gnomAD no frequency). This missense change has been observed in individual(s) with arrhythmogenic right ventricular cardiomyopathy (PMID: 24125834). An algorithm developed to predict the effect of missense changes on protein structure and function (PolyPhen-2) suggests that this variant is likely to be tolerated. In summary, the available evidence is currently insufficient to determine the role of this variant in disease. Therefore, it has been classified as a Variant of Uncertain Significance.

Literature cited by the submitters: PubMed 24125834.